The following is an entry in ClinVar:

ClinVar aggregate classification (germline): Uncertain significance (1 of 4 stars; one submission).

Conditions:
Hereditary cancer-predisposing syndrome. Also called: Neoplastic Syndromes, Hereditary; Tumor predisposition; Hereditary neoplastic syndrome; Hereditary Cancer Syndrome. Identifiers: Orphanet 140162, MedGen C0027672, MeSH D009386, MONDO:0015356.

Submission:

Ambry Genetics
Classification: Uncertain significance for Hereditary cancer-predisposing syndrome. Last evaluated: 2025-05-28. Review status: criteria provided, single submitter. Criteria: Ambry Variant Classification Scheme 2023. Collection method: clinical testing. Allele origin: germline.
Comment: The p.L280R variant (also known as c.839T>G), located in coding exon 3 of the ALK gene, results from a T to G substitution at nucleotide position 839. The leucine at codon 280 is replaced by arginine, an amino acid with dissimilar properties. This amino acid position is well conserved in available vertebrate species. In addition, this alteration is predicted to be tolerated by in silico analysis. Based on the available evidence, the clinical significance of this variant remains unclear.

NM_004304.5(ALK):c.839T>G (p.Leu280Arg)

Gene: ALK (ALK receptor tyrosine kinase; minus strand). Cytogenetic location: 2p23.2.
Variant type: single nucleotide variant.
Coding change: c.839T>G on transcript NM_004304.5 (MANE Select); coding-DNA position 839, T replaced by G.
Protein change: p.Leu280Arg; replaces leucine 280 with arginine.
Molecular consequence: missense variant.
Genome position (GRCh38, 1-based): chr2:29,694,963, A>C on the plus strand (T>G on the coding strand, the complement: ALK is on the minus strand). VCF-style: chr2-29694963-A-C. GRCh37 (hg19) VCF-style: chr2-29917829-A-C.
Other names: short protein forms L280R.
Identifiers: ClinVar variation 2452131 (VCV002452131.3), dbSNP rs764532876, ClinGen allele CA346587038.
Genomic context (GRCh38, chr2:29,694,963, plus strand): 5'-TGGGAGGCCTCCTCGGAGGGGATGCGGCGCCAGGACCAGCTCTGGTTCCTGAGGTCATGC[A>C]GTGGAGGGGAATACTCCAGCTCACAGGGGAAGTCAAAGCTGCACTCCAGACCTGCAATAA-3'
Protein context (NP_004295.2, residues 270-290): FPCELEYSPP[Leu280Arg]HDLRNQSWSW